The following is an entry in ClinVar:

ClinVar aggregate classification (germline): Uncertain significance. Review status: criteria provided, multiple submitters, no conflicts (2 of 4 stars). 3 submissions from 3 submitters: Uncertain significance (3). Last evaluated 2025-09-22.

Conditions:
Inborn genetic diseases. Identifiers: MedGen C0950123, MeSH D030342.

Allele frequency attached by ClinVar (database versions not stated): ExAC 0.00001; gnomAD 0.00001; gnomAD exomes 0.00001; TOPMed 0.00002.

Submissions (3):

Ambry Genetics
Classification: Uncertain significance for Inborn genetic diseases. Last evaluated: 2025-09-22. Review status: criteria provided, single submitter. Criteria: Ambry Variant Classification Scheme 2023. Collection method: clinical testing. Allele origin: germline.

Labcorp Genetics (formerly Invitae), Labcorp
Classification: Uncertain significance. Last evaluated: 2025-04-17. Review status: criteria provided, single submitter. Criteria: Invitae Variant Classification Sherloc (09022015). Collection method: clinical testing. Allele origin: germline.
Comment: This sequence change replaces asparagine, which is neutral and polar, with serine, which is neutral and polar, at codon 348 of the POGLUT1 protein (p.Asn348Ser). This variant is present in population databases (rs764806253, gnomAD 0.003%). This variant has not been reported in the literature in individuals affected with POGLUT1-related conditions. ClinVar contains an entry for this variant (Variation ID: 2435122). Invitae Evidence Modeling of protein sequence and biophysical properties (such as structural, functional, and spatial information, amino acid conservation, physicochemical variation, residue mobility, and thermodynamic stability) indicates that this missense variant is not expected to disrupt POGLUT1 protein function with a negative predictive value of 80%. In summary, the available evidence is currently insufficient to determine the role of this variant in disease. Therefore, it has been classified as a Variant of Uncertain Significance.

Revvity Omics, Revvity
Classification: Uncertain significance. Last evaluated: 2019-08-26. Review status: criteria provided, single submitter. Criteria: ACMG Guidelines, 2015. Collection method: clinical testing. Allele origin: germline.

NM_152305.3(POGLUT1):c.1043A>G (p.Asn348Ser)

Gene: POGLUT1 (protein O-glucosyltransferase 1; plus strand). Cytogenetic location: 3q13.33.
Variant type: single nucleotide variant.
Coding change: c.1043A>G on transcript NM_152305.3 (MANE Select); coding-DNA position 1043, A replaced by G.
Protein change: p.Asn348Ser; replaces asparagine 348 with serine.
Molecular consequence: missense variant. On other transcripts: non-coding transcript variant (1).
Genome position (GRCh38, 1-based): chr3:119,492,302, A>G. VCF-style: chr3-119492302-A-G. GRCh37 (hg19) VCF-style: chr3-119211149-A-G.
Other names: c.1043A>G, p.Asn348Ser (NM_020231.3); short protein forms N348S.
Identifiers: ClinVar variation 2435122 (VCV002435122.5), dbSNP rs764806253, ClinGen allele CA2555045.